The following is an entry in ClinVar:

NM_001382508.1(DROSHA):c.1761C>T (p.Asp587=)

Gene: DROSHA (drosha ribonuclease III; minus strand). Cytogenetic location: 5p13.3.
Variant type: single nucleotide variant.
Coding change: c.1761C>T on transcript NM_001382508.1 (MANE Select); coding-DNA position 1761, C replaced by T.
Protein change: p.Asp587=; no amino-acid change (aspartic acid 587 retained).
Molecular consequence: synonymous variant.
Genome position (GRCh38, 1-based): chr5:31,493,288, G>A on the plus strand (C>T on the coding strand, the complement: DROSHA is on the minus strand). VCF-style: chr5-31493288-G-A. GRCh37 (hg19) VCF-style: chr5-31493395-G-A.
Other names: c.1650C>T, p.Asp550= (NM_001100412.2); c.1761C>T, p.Asp587= (NM_013235.5).
Identifiers: ClinVar variation 3048208 (VCV003048208.2), dbSNP rs200514522, ClinGen allele CA3217592.

ClinVar aggregate classification (germline): Likely benign (0 of 4 stars; one submission).

Conditions:
DROSHA-related disorder. Also called: DROSHA-related condition.

Allele frequency attached by ClinVar (database versions not stated): ExAC 0.00021; gnomAD 0.00053; TOPMed 0.00061; ESP Exome Variant Server 0.00067; 1000 Genomes Project 30x 0.00078; 1000 Genomes Project 0.00080.
gnomAD v4.1: 164 of 1,597,098 alleles (0.01%); highest among the groups gnomAD compares: African/African-American, 0.18%; no homozygotes.

Submission:

PreventionGenetics, part of Exact Sciences
Classification: Likely benign for DROSHA-related condition. Last evaluated: 2024-02-29. Review status: no assertion criteria provided. Collection method: clinical testing. Allele origin: germline.
Comment: This variant is classified as likely benign based on ACMG/AMP sequence variant interpretation guidelines (Richards et al. 2015 PMID: 25741868, with internal and published modifications).